The following is an entry in ClinVar:

ClinVar aggregate classification (germline): Benign. Review status: criteria provided, multiple submitters, no conflicts (2 of 4 stars). 3 submissions from 3 submitters: Benign (2). 1 of the submissions does not count toward it. Last evaluated 2020-10-14.

Conditions:
TET3-related disorder. Also called: TET3-related condition; TET3-Related Disease.

Allele frequency attached by ClinVar (database versions not stated): gnomAD exomes 0.01419 and 0.01971; ExAC 0.02365; ESP Exome Variant Server 0.05386; 1000 Genomes Project 30x 0.05465; gnomAD 0.05465 and 0.05189; TOPMed 0.05696; 1000 Genomes Project 0.05232.
gnomAD v4.1: 28,836 of 1,613,412 alleles (1.8%); highest among the groups gnomAD compares: African/African-American, 16%; 1,160 homozygotes.

Submissions (3):

GeneDx
Classification: Benign. Last evaluated: 2020-10-14. Review status: criteria provided, single submitter. Criteria: GeneDx Variant Classification Process June 2021. Collection method: clinical testing. Allele origin: germline. Affected: yes.

Breakthrough Genomics
Classification: Benign. Review status: criteria provided, single submitter. Criteria: ACMG Guidelines, 2015. Collection method: not provided. Allele origin: germline. Inheritance: Autosomal dominant inheritance. Affected: yes.

PreventionGenetics, part of Exact Sciences
Classification: Benign for TET3-related condition. Last evaluated: 2019-12-02. Review status: no assertion criteria provided. Collection method: clinical testing. Allele origin: germline. Not counted in ClinVar's aggregate classification.
Comment: This variant is classified as benign based on ACMG/AMP sequence variant interpretation guidelines (Richards et al. 2015 PMID: 25741868, with internal and published modifications).

NM_001287491.2(TET3):c.4524G>C (p.Leu1508=)

Gene: TET3 (tet methylcytosine dioxygenase 3; plus strand). Cytogenetic location: 2p13.1.
Variant type: single nucleotide variant.
Coding change: c.4524G>C on transcript NM_001287491.2 (MANE Select); coding-DNA position 4524, G replaced by C.
Protein change: p.Leu1508=; no amino-acid change (leucine 1508 retained).
Molecular consequence: synonymous variant.
Genome position (GRCh38, 1-based): chr2:74,101,312, G>C. VCF-style: chr2-74101312-G-C. GRCh37 (hg19) VCF-style: chr2-74328439-G-C.
Other names: c.4245G>C, p.Leu1415= (NM_001366022.1).
Identifiers: ClinVar variation 1258572 (VCV001258572.5), dbSNP rs60481444, ClinGen allele CA1719244.